The following is an entry in ClinVar:

NM_014727.3(KMT2B):c.8083G>A (p.Glu2695Lys)

Gene: KMT2B (lysine methyltransferase 2B; plus strand). Cytogenetic location: 19q13.12.
Variant type: single nucleotide variant.
Coding change: c.8083G>A on transcript NM_014727.3 (MANE Select); coding-DNA position 8083, G replaced by A.
Protein change: p.Glu2695Lys; replaces glutamic acid 2695 with lysine.
Molecular consequence: missense variant.
Genome position (GRCh38, 1-based): chr19:35,738,492, G>A. VCF-style: chr19-35738492-G-A. GRCh37 (hg19) VCF-style: chr19-36229393-G-A.
Other names: short protein forms E2695K.
Identifiers: ClinVar variation 2506664 (VCV002506664.1), dbSNP rs2513370591, ClinGen allele CA405440956.

ClinVar aggregate classification (germline): Uncertain significance (1 of 4 stars; one submission).

Submission:

GeneDx
Classification: Uncertain significance. Last evaluated: 2022-12-20. Review status: criteria provided, single submitter. Criteria: GeneDx Variant Classification Process June 2021. Collection method: clinical testing. Allele origin: germline. Affected: yes.
Comment: Not observed at significant frequency in large population cohorts (gnomAD); In silico analysis supports that this missense variant has a deleterious effect on protein structure/function; Has not been previously published as pathogenic or benign to our knowledge